The following is an entry in ClinVar:

NM_001127464.1:c.8054C>T

Gene: ZNF469 (zinc finger protein 469; plus strand).
Variant type: single nucleotide variant.
Identifiers: ClinVar variation 4824410 (VCV004824410.1).

ClinVar aggregate classification (germline): Uncertain significance (1 of 4 stars; one submission).

Conditions:
Cardiovascular phenotype. Identifiers: MedGen CN230736.

Submission:

Ambry Genetics
Classification: Uncertain significance for Cardiovascular phenotype. Last evaluated: 2026-01-12. Review status: criteria provided, single submitter. Criteria: Ambry Variant Classification Scheme 2023. Collection method: clinical testing. Allele origin: germline.
Comment: The p.A2685V variant (also known as c.8054C>T), located in coding exon 2 of the ZNF469 gene, results from a C to T substitution at nucleotide position 8054. The alanine at codon 2685 is replaced by valine, an amino acid with similar properties. This amino acid position is conserved. In addition, this alteration is predicted to be tolerated by in silico analysis. Based on the available evidence, the clinical significance of this variant remains unclear.